The following is an entry in ClinVar:

ClinVar aggregate classification (germline): Uncertain significance. Review status: criteria provided, multiple submitters, no conflicts (2 of 4 stars). 2 submissions from 2 submitters: Uncertain significance (2). Last evaluated 2023-10-19.

Allele frequency attached by ClinVar (database versions not stated): gnomAD exomes below 0.00001 and 0.00002; ExAC 0.00001; gnomAD 0.00001; TOPMed 0.00001.
gnomAD v4.1: 38 of 1,613,778 alleles (0.0024%); highest among the groups gnomAD compares: Non-Finnish European, 0.0031%; no homozygotes.

Submissions (2):

Blueprint Genetics
Classification: Uncertain significance. Last evaluated: 2023-10-19. Review status: criteria provided, single submitter. Criteria: ACMG Guidelines, 2015. Collection method: clinical testing. Allele origin: germline.

Labcorp Genetics (formerly Invitae), Labcorp
Classification: Uncertain significance. Last evaluated: 2022-08-06. Review status: criteria provided, single submitter. Criteria: Invitae Variant Classification Sherloc (09022015). Collection method: clinical testing. Allele origin: germline.
Comment: In summary, the available evidence is currently insufficient to determine the role of this variant in disease. Therefore, it has been classified as a Variant of Uncertain Significance. Algorithms developed to predict the effect of missense changes on protein structure and function (SIFT, PolyPhen-2, Align-GVGD) all suggest that this variant is likely to be tolerated. ClinVar contains an entry for this variant (Variation ID: 941701). This variant has not been reported in the literature in individuals affected with SLC24A1-related conditions. This variant is present in population databases (rs774962423, gnomAD 0.0009%). This sequence change replaces tyrosine, which is neutral and polar, with cysteine, which is neutral and slightly polar, at codon 229 of the SLC24A1 protein (p.Tyr229Cys).

NM_004727.3(SLC24A1):c.686A>G (p.Tyr229Cys)

Gene: SLC24A1 (solute carrier family 24 member 1; plus strand). Cytogenetic location: 15q22.31.
Variant type: single nucleotide variant.
Coding change: c.686A>G on transcript NM_004727.3 (MANE Select); coding-DNA position 686, A replaced by G.
Protein change: p.Tyr229Cys; replaces tyrosine 229 with cysteine.
Molecular consequence: missense variant.
Genome position (GRCh38, 1-based): chr15:65,624,766, A>G. VCF-style: chr15-65624766-A-G. GRCh37 (hg19) VCF-style: chr15-65917104-A-G.
Other names: c.686A>G, p.Tyr229Cys (NM_001301031.1, NM_001301032.1, NM_001301033.2); short protein forms Y229C.
Identifiers: ClinVar variation 941701 (VCV000941701.8), dbSNP rs774962423, ClinGen allele CA7619789.